The following is an entry in ClinVar:

ClinVar aggregate classification (germline): Uncertain significance. Review status: criteria provided, multiple submitters, no conflicts (2 of 4 stars). 2 submissions from 2 submitters: Uncertain significance (2). Last evaluated 2025-11-26.

Conditions:
Inborn genetic diseases. Identifiers: MedGen C0950123, MeSH D030342.

Allele frequency attached by ClinVar (database versions not stated): gnomAD 0.00001 and 0.00003; gnomAD exomes 0.00002 and 0.00005; TOPMed 0.00002; ExAC 0.00004; 1000 Genomes Project 30x 0.00016; 1000 Genomes Project 0.00020.
gnomAD v4.1: 31 of 1,614,024 alleles (0.0019%); highest among the groups gnomAD compares: East Asian, 0.036%; no homozygotes.

Submissions (2):

Ambry Genetics
Classification: Uncertain significance for Inborn genetic diseases. Last evaluated: 2025-11-26. Review status: criteria provided, single submitter. Criteria: Ambry Variant Classification Scheme 2023. Collection method: clinical testing. Allele origin: germline.

Labcorp Genetics (formerly Invitae), Labcorp
Classification: Uncertain significance. Last evaluated: 2024-02-24. Review status: criteria provided, single submitter. Criteria: Invitae Variant Classification Sherloc (09022015). Collection method: clinical testing. Allele origin: germline.
Comment: This sequence change replaces arginine, which is basic and polar, with histidine, which is basic and polar, at codon 399 of the SLCO2A1 protein (p.Arg399His). This variant is present in population databases (rs532222872, gnomAD 0.04%). This variant has not been reported in the literature in individuals affected with SLCO2A1-related conditions. ClinVar contains an entry for this variant (Variation ID: 1433571). Advanced modeling of protein sequence and biophysical properties (such as structural, functional, and spatial information, amino acid conservation, physicochemical variation, residue mobility, and thermodynamic stability) has been performed at Invitae for this missense variant, however the output from this modeling did not meet the statistical confidence thresholds required to predict the impact of this variant on SLCO2A1 protein function. In summary, the available evidence is currently insufficient to determine the role of this variant in disease. Therefore, it has been classified as a Variant of Uncertain Significance.

NM_005630.3(SLCO2A1):c.1196G>A (p.Arg399His)

Gene: SLCO2A1 (solute carrier organic anion transporter family member 2A1; minus strand). Cytogenetic location: 3q22.1.
Variant type: single nucleotide variant.
Coding change: c.1196G>A on transcript NM_005630.3 (MANE Select); coding-DNA position 1196, G replaced by A.
Protein change: p.Arg399His; replaces arginine 399 with histidine.
Molecular consequence: missense variant.
Genome position (GRCh38, 1-based): chr3:133,947,355, C>T on the plus strand (G>A on the coding strand, the complement: SLCO2A1 is on the minus strand). VCF-style: chr3-133947355-C-T. GRCh37 (hg19) VCF-style: chr3-133666199-C-T.
Other names: c.1196G>A (NM_005630.2); short protein forms R399H.
Identifiers: ClinVar variation 1433571 (VCV001433571.7), dbSNP rs532222872, ClinGen allele CA2626542.